The following is an entry in ClinVar:

ClinVar aggregate classification (germline): Pathogenic. Review status: reviewed by expert panel (3 of 4 stars). 8 submissions from 8 submitters: Pathogenic (1). 7 of the submissions do not count toward it. Last evaluated 2025-05-28.

Conditions:
Neuromuscular disease caused by qualitative or quantitative defects of dysferlin. Also called: Dysferlinopathy; Qualitative or quantitative defects of dysferlin. Identifiers: Orphanet 207073, MedGen C2931687, MONDO:0016145.
Autosomal recessive limb-girdle muscular dystrophy. Identifiers: Orphanet 102015, MedGen C2931907, MONDO:0015152.
Autosomal recessive limb-girdle muscular dystrophy type 2B (LGMDR2). Also called: MUSCULAR DYSTROPHY, LIMB-GIRDLE, TYPE 3; Limb-girdle muscular dystrophy, type 2B; MUSCULAR DYSTROPHY, LIMB-GIRDLE, AUTOSOMAL RECESSIVE 2; Limb-Girdle Muscular Dystrophy Type 2B (LGMD2B). Identifiers: Orphanet 268, MedGen C1850889, MONDO:0009676, OMIM 253601.

Allele frequency attached by ClinVar (database versions not stated): ExAC 0.00001; gnomAD exomes 0.00001; TOPMed 0.00001.
gnomAD v4.1: 9 of 1,614,136 alleles (0.00056%); highest among the groups gnomAD compares: Non-Finnish European, 0.00076%; no homozygotes.

Submissions (8):

ClinGen Limb Girdle Muscular Dystrophy Variant Curation Expert Panel, ClinGen
Classification: Pathogenic for Autosomal recessive limb-girdle muscular dystrophy. Last evaluated: 2025-05-28. Review status: reviewed by expert panel. Criteria: ClinGen LGMD VCEP ACMG Specifications DYSF V1.0.0. Collection method: curation. Allele origin: germline. Inheritance: Autosomal recessive inheritance.
Comment: The NM_003494.4: c.5296G>A variant in DYSF, which is also known as NM_001130987.2: c.5413G>A p.(Glu1805Lys), is a missense variant predicted to cause substitution of glutamic acid by lysine at amino acid 1766, p.(Glu1766Lys). This variant has been identified in at least two unrelated individuals with features consistent with LGMD, including in a homozygous state in one patient without reported familial consanguinity (0.5 pts, PMID: 29799141) and confirmed in trans with a likely pathogenic or pathogenic variant in another patient (NM_003494.4: c.4090C>T p.(Gln1364Ter), 1.0 pt, PMID: 36983702, 24488599, 27602406) (PM3). At least one individual with this variant and a second presumed diagnostic DYSF variant displayed progressive limb girdle muscle weakness and severely reduced or absent dysferlin protein expression, which is highly specific for DYSF-related LGMD (PMID: 36983702, 29799141; PP4_Strong). The filtering allele frequency for this variant in in gnomAD v4.1.0 exomes (the upper threshold of the 95% CI of 9/1180026 European (non-Finnish) chromosomes) is 0.000013309, which is lower than the ClinGen LGMD VCEP threshold (<0.0001) for PM2_Supporting and therefore meets this criterion (PM2_Supporting). Immunofluorescence and 2-A assays of dysferlin membrane localization in HEK293T cells showed the Glu1766Lys protein did not reach the cell membrane, indicating a deleterious impact on protein function (PMID: 35028538) (PS3_Moderate). The computational predictor REVEL gives a score of 0.88, which is above the LGMD VCEP threshold of 0.70, evidence that correlates with impact to DYSF function (PP3). In summary, this variant meets the criteria to be classified as Pathogenic for autosomal recessive limb girdle muscular dystrophy based on the ACMG/AMP criteria applied, as specified by the ClinGen LGMD VCEP (LGMD VCEP specifications version 1.0.0; 05/28/2025): PM3, PP4_Strong, PM2_Supporting, PS3_Moderate, PP3.

Myriad Genetics, Inc.
Classification: Likely pathogenic for Autosomal recessive limb-girdle muscular dystrophy. Last evaluated: 2026-01-23. Review status: criteria provided, single submitter. Criteria: Myriad Autosomal Dominant, Autosomal Recessive and X-Linked Classification Criteria (2023). Collection method: clinical testing. Allele origin: unknown. Not counted in ClinVar's aggregate classification.
Comment: NM_003494.3(DYSF):c.5296G>A(E1766K) is a missense variant classified as likely pathogenic in the context of dysferlinopathy. E1766K has been observed in cases with relevant disease (PMID: 24488599, 36319958). Relevant functional assessments of this variant are available in the literature (PMID: 35028538). E1766K has been observed in referenced population frequency databases. In summary, NM_003494.3(DYSF):c.5296G>A(E1766K) is a missense variant that has functional support for pathogenicity and has been observed more frequently in cases with the relevant disease than in healthy populations. Please note: this variant was assessed in the context of healthy population screening.

Women's Health and Genetics/Laboratory Corporation of America, LabCorp
Classification: Likely pathogenic for Autosomal recessive limb-girdle muscular dystrophy. Last evaluated: 2025-05-19. Review status: criteria provided, single submitter. Criteria: LabCorp Variant Classification Summary - May 2015. Collection method: clinical testing. Allele origin: germline. Not counted in ClinVar's aggregate classification.
Comment: Variant summary: DYSF c.5296G>A (p.Glu1766Lys) results in a conservative amino acid change in the encoded protein sequence. Algorithms developed to predict the effect of missense changes on protein structure and function are either unavailable or do not agree on the potential impact of this missense change. The variant allele was found at a frequency of 4e-06 in 251264 control chromosomes. c.5296G>A has been observed in the homozygous and compound heterozygous state in individual(s) affected with Limb-Girdle Muscular Dystrophy, Autosomal Recessive (Tang_2018, Ankala_2014). These data indicate that the variant is likely to be associated with disease. To our knowledge, no experimental evidence demonstrating an impact on protein function has been reported. This variant is also known as c.5392G>A (p.Glu1789Lys). The following publications have been ascertained in the context of this evaluation (PMID: 24488599, 29799141).ClinVar contains an entry for this variant (Variation ID: 2441107). Based on the evidence outlined above, the variant was classified as likely pathogenic.

GeneDx
Classification: Likely pathogenic. Last evaluated: 2025-02-26. Review status: criteria provided, single submitter. Criteria: GeneDx Variant Classification Process June 2021. Collection method: clinical testing. Allele origin: germline. Affected: yes. Not counted in ClinVar's aggregate classification.
Comment: Published functional studies suggest a damaging effect on localization of dysferlin (PMID: 35028538); Not observed at significant frequency in large population cohorts (gnomAD); In silico analysis supports that this missense variant has a deleterious effect on protein structure/function; This variant is associated with the following publications: (PMID: 24438169, 36319958, Wang2022[preprint], 29799141, 36983702, Chakravorty2021[Preprint], 35028538)

Natera, Inc.
Classification: Likely pathogenic for Limb-girdle muscular dystrophy type 2B. Last evaluated: 2024-03-04. Review status: criteria provided, single submitter. Criteria: Natera Variant Classification Schema (03/2026). Collection method: clinical testing. Allele origin: germline. Not counted in ClinVar's aggregate classification.
Comment: The c.5296G>A variant in DYSF is a missense variant predicted to cause substitution of glutamic acid to lysine at amino acid 1766. This variant is rare in the general population with a frequency below the threshold expected for the associated phenotype(s). This variant has been observed in one or more individuals affected with the associated recessive disease, as either homozygous or compound heterozygous with a second variant (PMID: 24488599, 29799141). Computational prediction algorithms indicate this variant is likely to affect gene or protein function. Given the available evidence, this variant is classified as Likely Pathogenic.

Labcorp Genetics (formerly Invitae), Labcorp
Classification: Pathogenic for Neuromuscular disease caused by qualitative or quantitative defects of dysferlin. Last evaluated: 2023-09-08. Review status: criteria provided, single submitter. Criteria: Invitae Variant Classification Sherloc (09022015). Collection method: clinical testing. Allele origin: germline. Not counted in ClinVar's aggregate classification.
Comment: This variant is present in population databases (rs771402331, gnomAD 0.0009%). This missense change has been observed in individual(s) with limb-girdle muscular dystrophy (PMID: 29799141, 36983702). In at least one individual the data is consistent with being in trans (on the opposite chromosome) from a pathogenic variant. This variant is also known as c.5392G>A (p.Glu1798Lys). ClinVar contains an entry for this variant (Variation ID: 2441107). Advanced modeling of protein sequence and biophysical properties (such as structural, functional, and spatial information, amino acid conservation, physicochemical variation, residue mobility, and thermodynamic stability) performed at Invitae indicates that this missense variant is expected to disrupt DYSF protein function. For these reasons, this variant has been classified as Pathogenic. This sequence change replaces glutamic acid, which is acidic and polar, with lysine, which is basic and polar, at codon 1766 of the DYSF protein (p.Glu1766Lys).

Jain Foundation
Classification: Likely pathogenic for Dysferlinopathy. Last evaluated: 2023-03-13. Review status: criteria provided, single submitter. Criteria: Rufibach et al. (J Pers Med. 2023). Collection method: research. Allele origin: unknown. Inheritance: Autosomal recessive inheritance. Affected: yes. Observed: 1 compound heterozygote. Not counted in ClinVar's aggregate classification.
Comment: This variant is rare with an allele frequency of <0.0004% in gnomad. It has been reported in individuals with dysferlinopathy and is associated with disease range or absent dysferlin protein levels by a blood monocyte assay and IHC on muscle biopsy tissue, respectively (PMID: 36983702). In one case it was found to be in trans with another pathogenic DYSF variant, c.4090C>T (PMID: 36983702) and in another case it has been reported in the homozygous state (PMID: 29799141). This variant has also been reported to cause reduced dysferlin expression and no plasma membrane localization via an in vitro assay (PMID: 35028538). Both the REVEL (0.88) and CADD (31) scores support a deleterious effect. The ACMG classification criteria are: PM2 moderate, PM3 moderate, PP3, PP4 moderate, and PS3 supporting. Based on the above data, this variant has been classified as Likely Pathogenic.

Revvity Omics, Revvity
Classification: Uncertain significance. Last evaluated: 2019-08-06. Review status: criteria provided, single submitter. Criteria: ACMG Guidelines, 2015. Collection method: clinical testing. Allele origin: germline. Not counted in ClinVar's aggregate classification.

Literature cited by the submitters: PubMed 24488599 (cited by 3 submitters); PubMed 35028538 (cited by Myriad Genetics, Inc. and Jain Foundation); PubMed 36319958 (cited by Myriad Genetics, Inc.); PubMed 29799141 (cited by 4 submitters); PubMed 36983702 (cited by Labcorp Genetics (formerly Invitae), Labcorp).

NM_001130987.2(DYSF):c.5413G>A (p.Glu1805Lys)

Gene: DYSF (dysferlin; plus strand). Cytogenetic location: 2p13.2.
Variant type: single nucleotide variant.
Coding change: c.5413G>A on transcript NM_001130987.2 (MANE Select); coding-DNA position 5413, G replaced by A.
Protein change: p.Glu1805Lys; replaces glutamic acid 1805 with lysine.
Molecular consequence: missense variant.
Genome position (GRCh38, 1-based): chr2:71,667,471, G>A. VCF-style: chr2-71667471-G-A. GRCh37 (hg19) VCF-style: chr2-71894601-G-A.
Other names: NM_001130987.2(DYSF):c.5413G>A; p.Glu1805Lys; c.5299G>A, p.Glu1767Lys (NM_001130455.2); c.5254G>A, p.Glu1752Lys (NM_001130976.2); c.5317G>A, p.Glu1773Lys (NM_001130977.2); c.5359G>A, p.Glu1787Lys (NM_001130978.2); c.5389G>A, p.Glu1797Lys (NM_001130979.2); c.5347G>A, p.Glu1783Lys (NM_001130980.2); and 7 more; short protein forms E1752K, E1753K, E1766K, E1767K, E1773K, E1774K, E1783K, E1784K.
Identifiers: ClinVar variation 2441107 (VCV002441107.13), dbSNP rs771402331, ClinGen allele CA1707354.